The following is an entry in ClinVar:

NM_000548.5(TSC2):c.2125G>T (p.Val709Phe)

Gene: TSC2 (TSC complex subunit 2; plus strand). Cytogenetic location: 16p13.3.
Variant type: single nucleotide variant.
Coding change: c.2125G>T on transcript NM_000548.5 (MANE Select); coding-DNA position 2125, G replaced by T.
Protein change: p.Val709Phe; replaces valine 709 with phenylalanine.
Molecular consequence: missense variant.
Genome position (GRCh38, 1-based): chr16:2,072,268, G>T. VCF-style: chr16-2072268-G-T. GRCh37 (hg19) VCF-style: chr16-2122269-G-T.
Other names: c.2125G>T, p.Val709Phe (NM_001077183.3, NM_001114382.3, NM_001363528.2 and 3 more transcripts); c.2014G>T, p.Val672Phe (NM_001318827.2); c.1978G>T, p.Val660Phe (NM_001318829.2); c.1525G>T, p.Val509Phe (NM_001318831.2); c.2158G>T, p.Val720Phe (NM_001318832.2); short protein forms V709F, V672F, V509F, V660F, V720F.
Identifiers: ClinVar variation 579442 (VCV000579442.10), dbSNP rs1567467135, ClinGen allele CA394274802.
Genomic context (GRCh38, chr16:2,072,268, plus strand): 5'-AAGGCCCTGTCCTGACGCCTCCTCTCCTCGCAGGAGTCTGACTGGAAGGTGCTGAAGCTG[G>T]TTCTGGGCAGGCTGCCTGAGTCCCTGCGCTATAAAGTGCTCATCTTTACTTCCCCTTGCA-3'
Protein context (NP_000539.2, residues 699-719): QESDWKVLKL[Val709Phe]LGRLPESLRY

ClinVar aggregate classification (germline): Likely pathogenic (1 of 4 stars; one submission).

Conditions:
Tuberous sclerosis 2 (TSC2). Identifiers: Orphanet 805, MedGen C1860707, MONDO:0013199, OMIM 613254.

Submission:

Labcorp Genetics (formerly Invitae), Labcorp
Classification: Likely pathogenic for Tuberous sclerosis 2. Last evaluated: 2023-03-23. Review status: criteria provided, single submitter. Criteria: Invitae Variant Classification Sherloc (09022015). Collection method: clinical testing. Allele origin: germline.
Comment: In summary, the currently available evidence indicates that the variant is pathogenic, but additional data are needed to prove that conclusively. Therefore, this variant has been classified as Likely Pathogenic. Advanced modeling of protein sequence and biophysical properties (such as structural, functional, and spatial information, amino acid conservation, physicochemical variation, residue mobility, and thermodynamic stability) has been performed at Invitae for this missense variant, however the output from this modeling did not meet the statistical confidence thresholds required to predict the impact of this variant on TSC2 protein function. ClinVar contains an entry for this variant (Variation ID: 579442). This missense change has been observed in individuals with clinical feature of tuberous sclerosis complex (PMID: 29642139; Invitae). It has also been observed to segregate with disease in related individuals. This variant is not present in population databases (gnomAD no frequency). This sequence change replaces valine, which is neutral and non-polar, with phenylalanine, which is neutral and non-polar, at codon 709 of the TSC2 protein (p.Val709Phe).

Literature cited by the submitters: PubMed 29642139.